The following is an entry in ClinVar:

ClinVar aggregate classification (germline): Conflicting classifications of pathogenicity. Review status: criteria provided, conflicting classifications (1 of 4 stars). 3 submissions from 3 submitters: Uncertain significance (2); Likely benign (1). Last evaluated 2025-04-04.

Conditions:
Inborn genetic diseases. Identifiers: MedGen C0950123, MeSH D030342.

Allele frequency attached by ClinVar (database versions not stated): TOPMed 0.00001; gnomAD exomes 0.00001; ExAC 0.00001; gnomAD 0.00001.
gnomAD v4.1: 12 of 1,612,548 alleles (0.00074%); highest among the groups gnomAD compares: South Asian, 0.0044%; no homozygotes.

Submissions (3):

Dasa
Classification: Uncertain significance. Last evaluated: 2025-04-04. Review status: criteria provided, single submitter. Criteria: DASA Assertion Criteria. Collection method: clinical testing. Allele origin: germline.
Comment: NM_001184.4(ATR):c.1544G>A (p.Arg515His) is a missense variant that results in the substitution of arginine with histidine. This variant is rare in population databases. Computational prediction algorithms are consistent with a benign effect. The currently available literature and clinical evidence are not sufficient to establish a definitive association between this variant and the reported condition. Therefore, this variant is classified as a variant of uncertain significance.

Labcorp Genetics (formerly Invitae), Labcorp
Classification: Uncertain significance. Last evaluated: 2022-04-15. Review status: criteria provided, single submitter. Criteria: Invitae Variant Classification Sherloc (09022015). Collection method: clinical testing. Allele origin: germline.
Comment: This variant is present in population databases (rs746970647, gnomAD 0.004%). In summary, the available evidence is currently insufficient to determine the role of this variant in disease. Therefore, it has been classified as a Variant of Uncertain Significance. Algorithms developed to predict the effect of missense changes on protein structure and function output the following: SIFT: "Tolerated"; PolyPhen-2: "Benign"; Align-GVGD: "Class C0". The histidine amino acid residue is found in multiple mammalian species, which suggests that this missense change does not adversely affect protein function. This variant has not been reported in the literature in individuals affected with ATR-related conditions. This sequence change replaces arginine, which is basic and polar, with histidine, which is basic and polar, at codon 515 of the ATR protein (p.Arg515His).

Ambry Genetics
Classification: Likely benign for Inborn genetic diseases. Last evaluated: 2021-09-26. Review status: criteria provided, single submitter. Criteria: Ambry Variant Classification Scheme 2023. Collection method: clinical testing. Allele origin: germline.

NM_001184.4(ATR):c.1544G>A (p.Arg515His)

Gene: ATR (ATR checkpoint kinase; minus strand). Cytogenetic location: 3q23.
Variant type: single nucleotide variant.
Coding change: c.1544G>A on transcript NM_001184.4 (MANE Select); coding-DNA position 1544, G replaced by A.
Protein change: p.Arg515His; replaces arginine 515 with histidine.
Molecular consequence: missense variant.
Genome position (GRCh38, 1-based): chr3:142,559,439, C>T on the plus strand (G>A on the coding strand, the complement: ATR is on the minus strand). VCF-style: chr3-142559439-C-T. GRCh37 (hg19) VCF-style: chr3-142278281-C-T.
Other names: c.1352G>A, p.Arg451His (NM_001354579.2); short protein forms R451H, R515H.
Identifiers: ClinVar variation 1774905 (VCV001774905.8), dbSNP rs746970647, ClinGen allele CA2650560.